The following is an entry in ClinVar:

NM_005445.4(SMC3):c.3421T>A (p.Leu1141Met)

Gene: SMC3 (structural maintenance of chromosomes 3; plus strand). Cytogenetic location: 10q25.2.
Variant type: single nucleotide variant.
Coding change: c.3421T>A on transcript NM_005445.4 (MANE Select); coding-DNA position 3421, T replaced by A.
Protein change: p.Leu1141Met; replaces leucine 1141 with methionine.
Molecular consequence: missense variant.
Genome position (GRCh38, 1-based): chr10:110,602,948, T>A. VCF-style: chr10-110602948-T-A. GRCh37 (hg19) VCF-style: chr10-112362706-T-A.
Other names: short protein forms L1141M.
Identifiers: ClinVar variation 2501843 (VCV002501843.2), dbSNP rs2493150050, ClinGen allele CA378395216.

ClinVar aggregate classification (germline): Uncertain significance (1 of 4 stars; one submission).

Submission:

GeneDx
Classification: Uncertain significance. Last evaluated: 2026-06-11. Review status: criteria provided, single submitter. Criteria: GeneDx Variant Classification Process June 2021. Collection method: clinical testing. Allele origin: germline.
Comment: Not observed at significant frequency in large population cohorts (gnomAD); In silico analysis suggests that this missense variant does not alter protein structure/function; Has not been previously published as pathogenic or benign to our knowledge